The following is an entry in ClinVar:

NM_000632.4(ITGAM):c.1945G>A (p.Gly649Arg)

Gene: ITGAM (integrin subunit alpha M; plus strand). Cytogenetic location: 16p11.2.
Variant type: single nucleotide variant.
Coding change: c.1945G>A on transcript NM_000632.4 (MANE Select); coding-DNA position 1945, G replaced by A.
Protein change: p.Gly649Arg; replaces glycine 649 with arginine.
Molecular consequence: missense variant.
Genome position (GRCh38, 1-based): chr16:31,321,570, G>A. VCF-style: chr16-31321570-G-A. GRCh37 (hg19) VCF-style: chr16-31332891-G-A.
Other names: c.1948G>A, p.Gly650Arg (NM_001145808.2); c.1945G>A (NM_000632.3); short protein forms G649R, G650R.
Identifiers: ClinVar variation 1364509 (VCV001364509.7), dbSNP rs763736373, ClinGen allele CA8025689.

ClinVar aggregate classification (germline): Uncertain significance. Review status: criteria provided, single submitter (1 of 4 stars). 2 submissions from 2 submitters: Uncertain significance (1). 1 of the submissions does not count toward it. Last evaluated 2023-10-24.

Conditions:
ITGAM-related disorder. Also called: ITGAM-related condition.

Allele frequency attached by ClinVar (database versions not stated): gnomAD exomes 0.00001 and 0.00003; TOPMed 0.00002; ExAC 0.00003; gnomAD 0.00003.
gnomAD v4.1: 25 of 1,613,880 alleles (0.0015%); highest among the groups gnomAD compares: Admixed American, 0.005%; no homozygotes.

Submissions (2):

Labcorp Genetics (formerly Invitae), Labcorp
Classification: Uncertain significance. Last evaluated: 2023-10-24. Review status: criteria provided, single submitter. Criteria: Invitae Variant Classification Sherloc (09022015). Collection method: clinical testing. Allele origin: germline.
Comment: This sequence change replaces glycine, which is neutral and non-polar, with arginine, which is basic and polar, at codon 649 of the ITGAM protein (p.Gly649Arg). This variant is present in population databases (rs763736373, gnomAD 0.009%). This variant has not been reported in the literature in individuals affected with ITGAM-related conditions. ClinVar contains an entry for this variant (Variation ID: 1364509). An algorithm developed to predict the effect of missense changes on protein structure and function (PolyPhen-2) suggests that this variant is likely to be disruptive. In summary, the available evidence is currently insufficient to determine the role of this variant in disease. Therefore, it has been classified as a Variant of Uncertain Significance.

PreventionGenetics, part of Exact Sciences
Classification: Uncertain significance for ITGAM-related condition. Last evaluated: 2024-08-21. Review status: no assertion criteria provided. Collection method: clinical testing. Allele origin: germline. Not counted in ClinVar's aggregate classification.
Comment: The ITGAM c.1945G>A variant is predicted to result in the amino acid substitution p.Gly649Arg. To our knowledge, this variant has not been reported in the literature. This variant is reported in 0.011% of alleles in individuals of Latino descent in gnomAD, which may be too common to be causative. Although we suspect that this variant may be benign, at this time, the clinical significance of this variant is uncertain due to the absence of conclusive functional and genetic evidence.